The following is an entry in ClinVar:

ClinVar aggregate classification (germline): Uncertain significance (1 of 4 stars; one submission).

gnomAD v4.1: 19 of 1,613,850 alleles (0.0012%); highest among the groups gnomAD compares: South Asian, 0.014%; 1 homozygote.

Submission:

GeneDx
Classification: Uncertain significance. Last evaluated: 2026-03-12. Review status: criteria provided, single submitter. Criteria: GeneDx Variant Classification Process June 2021. Collection method: clinical testing. Allele origin: germline.
Comment: Not observed at significant frequency in large population cohorts (gnomAD); In silico analysis suggests that this missense variant does not alter protein structure/function; Has not been previously published as pathogenic or benign to our knowledge

NM_003922.4(HERC1):c.2755A>G (p.Thr919Ala)

Gene: HERC1 (HECT and RLD domain containing E3 ubiquitin protein ligase family member 1; minus strand). Cytogenetic location: 15q22.31.
Variant type: single nucleotide variant.
Coding change: c.2755A>G on transcript NM_003922.4 (MANE Select); coding-DNA position 2755, A replaced by G.
Protein change: p.Thr919Ala; replaces threonine 919 with alanine.
Molecular consequence: missense variant.
Genome position (GRCh38, 1-based): chr15:63,733,037, T>C on the plus strand (A>G on the coding strand, the complement: HERC1 is on the minus strand). VCF-style: chr15-63733037-T-C. GRCh37 (hg19) VCF-style: chr15-64025236-T-C.
Other names: short protein forms T919A.
Identifiers: ClinVar variation 5009061 (VCV005009061.1).